The following is an entry in ClinVar:

ClinVar aggregate classification (germline): Pathogenic. Review status: criteria provided, multiple submitters, no conflicts (2 of 4 stars). 2 submissions from 2 submitters: Pathogenic (2). Last evaluated 2026-01-23.

Conditions:
Klippel-Feil anomaly-myopathy-facial dysmorphism syndrome. Also called: Klippel-feil syndrome 4, autosomal recessive, with nemaline myopathy and facial dysmorphism; Klippel-Feil syndrome 4, autosomal recessive, with myopathy and facial dysmorphism. Identifiers: Orphanet 447974, MedGen C4225285, MONDO:0014689, OMIM 616549.

Allele frequency attached by ClinVar (database versions not stated): gnomAD exomes below 0.00001.
gnomAD v4.1: 1 of 1,613,970 alleles (0.000062%); highest among the groups gnomAD compares: Non-Finnish European, 0.000085%; no homozygotes.

Submissions (2):

Labcorp Genetics (formerly Invitae), Labcorp
Classification: Pathogenic. Last evaluated: 2026-01-23. Review status: criteria provided, single submitter. Criteria: Invitae Variant Classification Sherloc (09022015). Collection method: clinical testing. Allele origin: germline.
Comment: This sequence change creates a premature translational stop signal (p.Gln950*) in the MYO18B gene. It is expected to result in an absent or disrupted protein product. Loss-of-function variants in MYO18B are known to be pathogenic (PMID: 25748484, 32184166, 32637634). This variant is not present in population databases (gnomAD no frequency). This variant has not been reported in the literature in individuals affected with MYO18B-related conditions. ClinVar contains an entry for this variant (Variation ID: 2581587). For these reasons, this variant has been classified as Pathogenic.

Women's Health and Genetics/Laboratory Corporation of America, LabCorp
Classification: Pathogenic for Klippel-Feil anomaly-myopathy-facial dysmorphism syndrome. Last evaluated: 2023-08-08. Review status: criteria provided, single submitter. Criteria: LabCorp Variant Classification Summary - May 2015. Collection method: clinical testing. Allele origin: germline.
Comment: Variant summary: MYO18B c.2848C>T (p.Gln950X) results in a premature termination codon, predicted to cause absence of the protein due to nonsense mediated decay, which is a commonly known mechanism for disease. The variant was absent in 249188 control chromosomes (gnomAD). To our knowledge, no occurrence of c.2848C>T in individuals affected with Klippel-Feil Anomaly-Myopathy Dysmorphism Syndrome and no experimental evidence demonstrating its impact on protein function have been reported. No submitters have cited clinical-significance assessments for this variant to ClinVar after 2014. Based on the evidence outlined above, the variant was classified as pathogenic.

Literature cited by the submitters: PubMed 25748484 (cited by Labcorp Genetics (formerly Invitae), Labcorp); PubMed 32184166 (cited by Labcorp Genetics (formerly Invitae), Labcorp); PubMed 32637634 (cited by Labcorp Genetics (formerly Invitae), Labcorp).

NM_032608.7(MYO18B):c.2848C>T (p.Gln950Ter)

Gene: MYO18B (myosin XVIIIB; plus strand). Cytogenetic location: 22q12.1.
Variant type: single nucleotide variant.
Coding change: c.2848C>T on transcript NM_032608.7 (MANE Select); coding-DNA position 2848, C replaced by T.
Protein change: p.Gln950Ter; replaces glutamine 950 with a stop codon.
Molecular consequence: nonsense.
Genome position (GRCh38, 1-based): chr22:25,828,837, C>T. VCF-style: chr22-25828837-C-T. GRCh37 (hg19) VCF-style: chr22-26224804-C-T.
Other names: c.2848C>T, p.Gln950Ter (NM_001318245.2); short protein forms Q950*.
Identifiers: ClinVar variation 2581587 (VCV002581587.2), dbSNP rs2517501162, ClinGen allele CA411000327.